The following is an entry in ClinVar:

ClinVar aggregate classification (germline): Benign (1 of 4 stars; one submission).

Conditions:
Ulnar-mammary syndrome (UMS). Also called: SCHINZEL SYNDROME; Ulnar-mammary syndrome of Pallister; PALLISTER ULNAR-MAMMARY SYNDROME. Identifiers: Orphanet 3138, MedGen C1866994, MONDO:0008411, OMIM 181450.

Allele frequency attached by ClinVar (database versions not stated): gnomAD exomes below 0.00001 and 0.00001; TOPMed below 0.00001; gnomAD 0.00001; ExAC 0.00002.
gnomAD v4.1: 4 of 1,614,002 alleles (0.00025%); highest among the groups gnomAD compares: East Asian, 0.0089%; no homozygotes.

Submission:

Illumina Laboratory Services, Illumina
Classification: Benign for Ulnar-mammary syndrome. Last evaluated: 2018-01-12. Review status: criteria provided, single submitter. Criteria: ICSL Variant Classification Criteria 13 December 2019. Collection method: clinical testing. Allele origin: germline.
Comment: This variant was observed in the ICSL laboratory as part of a predisposition screen in an ostensibly healthy population. It had not been previously curated by ICSL or reported in the Human Gene Mutation Database (HGMD: prior to June 1st, 2018), and was therefore a candidate for classification through an automated scoring system. Utilizing variant allele frequency, disease prevalence and penetrance estimates, and inheritance mode, an automated score was calculated to assess if this variant is too frequent to cause the disease. Based on the score and internal cut-off values, a variant classified as benign is not then subjected to further curation. The score for this variant resulted in a classification of benign for this disease.

NM_005996.4(TBX3):c.1011C>T (p.Ala337=)

Gene: TBX3 (T-box transcription factor 3; minus strand). Cytogenetic location: 12q24.21.
Variant type: single nucleotide variant.
Coding change: c.1011C>T on transcript NM_005996.4 (MANE Select); coding-DNA position 1011, C replaced by T.
Protein change: p.Ala337=; no amino-acid change (alanine 337 retained).
Molecular consequence: synonymous variant.
Genome position (GRCh38, 1-based): chr12:114,676,341, G>A on the plus strand (C>T on the coding strand, the complement: TBX3 is on the minus strand). VCF-style: chr12-114676341-G-A. GRCh37 (hg19) VCF-style: chr12-115114146-G-A.
Other names: c.1071C>T, p.Ala357= (NM_016569.4).
Identifiers: ClinVar variation 307370 (VCV000307370.5), dbSNP rs745496316, ClinGen allele CA6810034.